The following is an entry in ClinVar:

ClinVar aggregate classification (germline): Conflicting classifications of pathogenicity. Review status: criteria provided, conflicting classifications (1 of 4 stars). 4 submissions from 4 submitters: Uncertain significance (3); Likely benign (1). Last evaluated 2025-08-14.

Conditions:
Hereditary cancer-predisposing syndrome. Also called: Neoplastic Syndromes, Hereditary; Tumor predisposition; Hereditary neoplastic syndrome; Hereditary Cancer Syndrome. Identifiers: Orphanet 140162, MedGen C0027672, MeSH D009386, MONDO:0015356.
Hereditary breast ovarian cancer syndrome. Also called: Hereditary breast and ovarian cancer syndrome; Hereditary breast and ovarian cancer; Hereditary breast and ovarian cancer syndrome (HBOC); Breast and ovarian cancer; Hereditary breast and/or ovarian cancer syndrome; BRCA1- and BRCA2-Associated Hereditary Breast and Ovarian Cancer. Identifiers: Orphanet 145, MedGen C0677776, MeSH D061325, MONDO:0003582. Disease mechanism: loss of function.

Submissions (4):

GeneDx
Classification: Uncertain significance. Last evaluated: 2025-08-14. Review status: criteria provided, single submitter. Criteria: GeneDx Variant Classification Process June 2021. Collection method: clinical testing. Allele origin: germline. Affected: yes.
Comment: Not observed at significant frequency in large population cohorts (gnomAD); In silico analysis supports that this missense variant has a deleterious effect on protein structure/function; Has not been previously published as pathogenic or benign to our knowledge; Also known as 1029T>C

Color Diagnostics, LLC DBA Color Health
Classification: Uncertain significance for Hereditary cancer-predisposing syndrome. Last evaluated: 2023-12-04. Review status: criteria provided, single submitter. Criteria: ACMG Guidelines, 2015. Collection method: clinical testing. Allele origin: germline.
Comment: This missense variant replaces phenylalanine with leucine at codon 304 of the BRCA1 protein. Computational prediction is inconclusive regarding the impact of this variant on protein structure and function (internally defined REVEL score threshold 0.5 < inconclusive < 0.7, PMID: 27666373). To our knowledge, functional studies have not been reported for this variant. This variant has not been reported in individuals affected with BRCA1-related disorders in the literature. This variant has not been identified in the general population by the Genome Aggregation Database (gnomAD). The available evidence is insufficient to determine the role of this variant in disease conclusively. Therefore, this variant is classified as a Variant of Uncertain Significance.

University of Washington Department of Laboratory Medicine, University of Washington
Classification: Likely benign for Hereditary cancer-predisposing syndrome. Last evaluated: 2023-03-23. Review status: criteria provided, single submitter. Criteria: Dines et al. (Genet Med. 2020). Collection method: curation. Allele origin: germline.
Comment: Missense variant in a coldspot region where missense variants are very unlikely to be pathogenic (PMID:31911673).

BRCA1 coldspot (exon 11 using historical exon numbering). Reclassification based on statistical prior probability

Labcorp Genetics (formerly Invitae), Labcorp
Classification: Uncertain significance for Hereditary breast ovarian cancer syndrome. Last evaluated: 2019-02-11. Review status: criteria provided, single submitter. Criteria: Invitae Variant Classification Sherloc (09022015). Collection method: clinical testing. Allele origin: germline.
Comment: In summary, the available evidence is currently insufficient to determine the role of this variant in disease. Therefore, it has been classified as a Variant of Uncertain Significance. Algorithms developed to predict the effect of missense changes on protein structure and function output the following: SIFT: "Tolerated"; PolyPhen-2: "Benign"; Align-GVGD: "Class C0". The leucine amino acid residue is found in multiple mammalian species, suggesting that this missense change does not adversely affect protein function. These predictions have not been confirmed by published functional studies and their clinical significance is uncertain. This variant has not been reported in the literature in individuals with BRCA1-related conditions. This variant is not present in population databases (ExAC no frequency). This sequence change replaces phenylalanine with leucine at codon 304 of the BRCA1 protein (p.Phe304Leu). The phenylalanine residue is moderately conserved and there is a small physicochemical difference between phenylalanine and leucine.

NM_007294.4(BRCA1):c.910T>C (p.Phe304Leu)

Gene: BRCA1 (BRCA1 DNA repair associated; minus strand). Cytogenetic location: 17q21.31.
Variant type: single nucleotide variant.
Coding change: c.910T>C on transcript NM_007294.4 (MANE Select); coding-DNA position 910, T replaced by C.
Protein change: p.Phe304Leu; replaces phenylalanine 304 with leucine.
Molecular consequence: missense variant. On other transcripts: intron variant (137).
Genome position (GRCh38, 1-based): chr17:43,094,621, A>G on the plus strand (T>C on the coding strand, the complement: BRCA1 is on the minus strand). VCF-style: chr17-43094621-A-G. GRCh37 (hg19) VCF-style: chr17-41246638-A-G.
Other names: c.697T>C, p.Phe233Leu (NM_001407571.1, NM_001407853.1, NM_001407894.1 and 9 more transcripts); c.910T>C, p.Phe304Leu (NM_001407581.1, NM_001407582.1, NM_001407583.1 and 30 more transcripts); c.907T>C, p.Phe303Leu (NM_001407587.1, NM_001407590.1, NM_001407591.1 and 22 more transcripts); c.664+123T>C (NM_001408436.1, NM_001408444.1, NM_001408438.1 and 12 more transcripts); c.787+123T>C (NM_001407980.1, NM_001407993.1, NM_001407976.1 and 19 more transcripts); c.652+123T>C (NM_001408451.1); c.643+123T>C (NM_001408464.1, NM_001408468.1, NM_001408465.1 and 3 more transcripts); c.523+123T>C (NM_001408498.1, NM_001408501.1, NM_001408500.1 and 3 more transcripts); and 40 more; short protein forms F304L, F257L, F193L, F215L, F233L, F234L, F237L, F278L.
Identifiers: ClinVar variation 629600 (VCV000629600.19), dbSNP rs1567801570, ClinGen allele CA10600253.